The following is an entry in ClinVar:

ClinVar aggregate classification (germline): Uncertain significance. Review status: criteria provided, multiple submitters, no conflicts (2 of 4 stars). 2 submissions from 2 submitters: Uncertain significance (2). Last evaluated 2023-02-20.

Conditions:
Inborn genetic diseases. Identifiers: MedGen C0950123, MeSH D030342.

Allele frequency attached by ClinVar (database versions not stated): gnomAD 0.00002; ExAC 0.00003; gnomAD exomes 0.00003; TOPMed 0.00003; ESP Exome Variant Server 0.00008.

Submissions (2):

Athena Diagnostics
Classification: Uncertain significance. Last evaluated: 2023-02-20. Review status: criteria provided, single submitter. Criteria: Athena Diagnostics Criteria. Collection method: clinical testing. Allele origin: unknown.
Comment: Available data are insufficient to determine the clinical significance of the variant at this time. The frequency of this variant in the general population is uninformative in assessment of its pathogenicity. Computational tools predict that this variant is damaging.

Ambry Genetics
Classification: Uncertain significance for Inborn genetic diseases. Last evaluated: 2022-01-15. Review status: criteria provided, single submitter. Criteria: Ambry Variant Classification Scheme 2023. Collection method: clinical testing. Allele origin: germline.
Comment: The p.A488T variant (also known as c.1462G>A), located in coding exon 8 of the SETX gene, results from a G to A substitution at nucleotide position 1462. The alanine at codon 488 is replaced by threonine, an amino acid with similar properties. This amino acid position is conserved. In addition, the in silico prediction for this alteration is inconclusive. Since supporting evidence is limited at this time, the clinical significance of this alteration remains unclear.

NM_015046.7(SETX):c.1462G>A (p.Ala488Thr)

Gene: SETX (senataxin; minus strand). Cytogenetic location: 9q34.13.
Variant type: single nucleotide variant.
Coding change: c.1462G>A on transcript NM_015046.7 (MANE Select); coding-DNA position 1462, G replaced by A.
Protein change: p.Ala488Thr; replaces alanine 488 with threonine.
Molecular consequence: missense variant.
Genome position (GRCh38, 1-based): chr9:132,330,136, C>T on the plus strand (G>A on the coding strand, the complement: SETX is on the minus strand). VCF-style: chr9-132330136-C-T. GRCh37 (hg19) VCF-style: chr9-135205523-C-T.
Other names: c.1462G>A, p.Ala488Thr (NM_001351527.2, NM_001351528.2); short protein forms A488T.
Identifiers: ClinVar variation 1773187 (VCV001773187.3), dbSNP rs374334031, ClinGen allele CA5297774.